The following is an entry in ClinVar:

NM_006059.4(LAMC3):c.4477+118C>T

Gene: LAMC3 (laminin subunit gamma 3; plus strand). Cytogenetic location: 9q34.12.
Variant type: single nucleotide variant.
Coding change: c.4477+118C>T on transcript NM_006059.4 (MANE Select); 118 bases into the intron after coding-DNA position 4477, C replaced by T.
Molecular consequence: intron variant.
Genome position (GRCh38, 1-based): chr9:131,087,935, C>T. VCF-style: chr9-131087935-C-T. GRCh37 (hg19) VCF-style: chr9-133963322-C-T.
Identifiers: ClinVar variation 683007 (VCV000683007.1), dbSNP rs11244279, ClinGen allele CA15620888.

ClinVar aggregate classification (germline): Benign (1 of 4 stars; one submission).

Allele frequency attached by ClinVar (database versions not stated): 1000 Genomes Project 30x 0.16396; 1000 Genomes Project 0.16454; TOPMed 0.20580; gnomAD 0.20821 and 0.20881; gnomAD exomes 0.24634.
gnomAD v4.1: 192,031 of 801,864 alleles (24%); highest among the groups gnomAD compares: Middle Eastern, 31%; 24,935 homozygotes.

Submission:

GeneDx
Classification: Benign. Last evaluated: 2018-06-14. Review status: criteria provided, single submitter. Criteria: GeneDx Variant Classification (06012015). Collection method: clinical testing. Allele origin: germline. Affected: yes.
Comment: This variant is considered likely benign or benign based on one or more of the following criteria: it is a conservative change, it occurs at a poorly conserved position in the protein, it is predicted to be benign by multiple in silico algorithms, and/or has population frequency not consistent with disease.